The following is an entry in ClinVar:

NM_007294.4(BRCA1):c.4908G>C (p.Lys1636Asn)

Gene: BRCA1 (BRCA1 DNA repair associated; minus strand). Cytogenetic location: 17q21.31.
Variant type: single nucleotide variant.
Coding change: c.4908G>C on transcript NM_007294.4 (MANE Select); coding-DNA position 4908, G replaced by C.
Protein change: p.Lys1636Asn; replaces lysine 1636 with asparagine.
Molecular consequence: missense variant. On other transcripts: non-coding transcript variant (1).
Genome position (GRCh38, 1-based): chr17:43,071,006, C>G on the plus strand (G>C on the coding strand, the complement: BRCA1 is on the minus strand). VCF-style: chr17-43071006-C-G. GRCh37 (hg19) VCF-style: chr17-41223023-C-G.
Other names: c.4908G>C, p.Lys1636Asn (NM_001407603.1, NM_001407605.1, NM_001407684.1 and 8 more transcripts); c.4905G>C, p.Lys1635Asn (NM_001407620.1, NM_001407621.1, NM_001407622.1 and 17 more transcripts); c.4902G>C, p.Lys1634Asn (NM_001407627.1, NM_001407628.1, NM_001407639.1 and 14 more transcripts); c.4899G>C, p.Lys1633Asn (NM_001407644.1, NM_001407645.1); c.4896G>C, p.Lys1632Asn (NM_001407646.1); c.4893G>C, p.Lys1631Asn (NM_001407647.1); c.4851G>C, p.Lys1617Asn (NM_001407648.1); c.4824G>C, p.Lys1608Asn (NM_001407661.1, NM_001407662.1, NM_001407663.1 and 2 more transcripts); and 70 more; short protein forms K1589N, K1657N, K1636N, K532N, K1467N, K1509N, K1547N, K1548N.
Identifiers: ClinVar variation 865672 (VCV000865672.3), dbSNP rs1567774705, ClinGen allele CA10591707.
Genomic context (GRCh38, chr17:43,071,006, plus strand): 5'-GCCAGACACCACCATGGACATTCTTTTGTTGACCCTTTCTGTTGAAGCTGTCAATTCTGG[C>G]TTCTCCCTGCTCACACTTTCTTCCATTGCATTATACCCAGCAGTATCAGTAGTATGAGCA-3'
Protein context (NP_009225.1, residues 1626-1646): NAMEESVSRE[Lys1636Asn]PELTASTERV

Conditions:
Breast-ovarian cancer, familial, susceptibility to, 1 (BROVCA1). Also called: BRCA1 Hereditary Breast and Ovarian Cancer; OVARIAN CANCER, SUSCEPTIBILITY TO. Identifiers: Orphanet 145, MedGen C2676676, MONDO:0011450, OMIM 604370. Disease mechanism: loss of function.

Submission:

Brotman Baty Institute, University of Washington
No classification provided (evidence only). Condition: Breast-ovarian cancer, familial 1. Review status: no classification provided. Collection method: in vitro. Allele origin: not applicable. Functional consequence: functionally_normal.
ClinVar note: "not provided" was previously submitted as the classification for the variant. However, the classification appeared to be based only on an observation of functional data so it was converted to no classification on 2025-07-30.